The following is an entry in ClinVar:

ClinVar aggregate classification (germline): Conflicting classifications of pathogenicity. Review status: criteria provided, conflicting classifications (1 of 4 stars). 3 submissions from 3 submitters: Uncertain significance (2); Likely benign (1). Last evaluated 2026-07-29.

Conditions:
Familial thoracic aortic aneurysm and aortic dissection (TAAD). Also called: Thoracic aortic aneurysms and dissections. Identifiers: Orphanet 91387, MedGen C4707243, MONDO:0019625.
Congenital contractural arachnodactyly (CCA). Also called: Beals-Hecht syndrome; BEALS SYNDROME; Arthrogryposis, distal, type 9. Identifiers: Orphanet 115, MedGen C0220668, MONDO:0007363, OMIM 121050.

Allele frequency attached by ClinVar (database versions not stated): ExAC 0.00002; gnomAD exomes 0.00002.
gnomAD v4.1: 14 of 1,612,068 alleles (0.00087%); highest among the groups gnomAD compares: Middle Eastern, 0.23%; no homozygotes.

Submissions (3):

Ambry Genetics
Classification: Uncertain significance for Familial thoracic aortic aneurysm and aortic dissection. Last evaluated: 2026-07-29. Review status: criteria provided, single submitter. Criteria: Ambry Variant Classification Scheme 2023. Collection method: clinical testing. Allele origin: germline.
Comment: The c.362A>G (p.D121G) alteration is located in exon 3 (coding exon 3) of the FBN2 gene. This alteration results from a A to G substitution at nucleotide position 362, causing the aspartic acid (D) at amino acid position 121 to be replaced by a glycine (G). Based on data from gnomAD, the G allele has an overall frequency of 0.002% (6/251224) total alleles studied. The highest observed frequency was <0.001% (/) of alleles. Based on insufficient or conflicting evidence, the clinical significance of this alteration remains unclear.

Labcorp Genetics (formerly Invitae), Labcorp
Classification: Likely benign for Congenital contractural arachnodactyly. Last evaluated: 2024-07-12. Review status: criteria provided, single submitter. Criteria: Invitae Variant Classification Sherloc (09022015). Collection method: clinical testing. Allele origin: germline.

GeneDx
Classification: Uncertain significance. Last evaluated: 2017-05-15. Review status: criteria provided, single submitter. Criteria: GeneDx Variant Classification (06012015). Collection method: clinical testing. Allele origin: germline. Affected: yes.
Comment: A variant of uncertain significance has been identified in the FBN2 gene. The D121G variant has not been published as pathogenic or been reported as benign to our knowledge. However, it is classified as a variant of uncertain significance in ClinVar by another clinical laboratory in association with TAAD (ClinVar SCV000319964.1; Landrum et al., 2016). The D121G variant is a non-conservative amino acid substitution, which is likely to impact secondary protein structure as these residues differ in polarity, charge, size and/or other properties. This substitution occurs at a position that is conserved across species and in silico analysis predicts this variant is probably damaging to the protein structure/function. Nevertheless, D121G does not affect a Cysteine residue within a calcium-binding EGF-like domain of the FBN2 gene. Cysteine substitutions in the calcium-binding EGF-like domains represent the majority of pathogenic missense changes associated with FBN2-related disorders (Frederic et al., 2009). Finally, D121G has been observed in 3/66408 (0.005%) alleles from individuals of Non-Finnish European ancestry in large population cohorts (Lek et al., 2016; 1000 Genomes Consortium et al., 2015; Exome Variant Server).

NM_001999.4(FBN2):c.362A>G (p.Asp121Gly)

Gene: FBN2 (fibrillin 2; minus strand). Cytogenetic location: 5q23.3.
Variant type: single nucleotide variant.
Coding change: c.362A>G on transcript NM_001999.4 (MANE Select); coding-DNA position 362, A replaced by G.
Protein change: p.Asp121Gly; replaces aspartic acid 121 with glycine.
Molecular consequence: missense variant.
Genome position (GRCh38, 1-based): chr5:128,530,669, T>C on the plus strand (A>G on the coding strand, the complement: FBN2 is on the minus strand). VCF-style: chr5-128530669-T-C. GRCh37 (hg19) VCF-style: chr5-127866362-T-C.
Other names: short protein forms D121G.
Identifiers: ClinVar variation 264204 (VCV000264204.16), dbSNP rs770483769, ClinGen allele CA3396130.